The following is an entry in ClinVar:

ClinVar aggregate classification (germline): Uncertain significance (1 of 4 stars; one submission).

gnomAD v4.1: 18 of 1,614,218 alleles (0.0011%); highest among the groups gnomAD compares: East Asian, 0.0022%; no homozygotes.

Submission:

Ambry Genetics
Classification: Uncertain significance. Last evaluated: 2025-08-05. Review status: criteria provided, single submitter. Criteria: Ambry Variant Classification Scheme 2023. Collection method: clinical testing. Allele origin: germline.
Comment: The p.I34T variant (also known as c.101T>C), located in coding exon 1 of the MLH3 gene, results from a T to C substitution at nucleotide position 101. The isoleucine at codon 34 is replaced by threonine, an amino acid with similar properties. This amino acid position is well conserved in available vertebrate species. In addition, the in silico prediction for this alteration is inconclusive. Based on the available evidence, the clinical significance of this variant remains unclear.

NM_001040108.2(MLH3):c.101T>C (p.Ile34Thr)

Gene: MLH3 (mutL homolog 3; minus strand). Cytogenetic location: 14q24.3.
Variant type: single nucleotide variant.
Coding change: c.101T>C on transcript NM_001040108.2 (MANE Select); coding-DNA position 101, T replaced by C.
Protein change: p.Ile34Thr; replaces isoleucine 34 with threonine.
Molecular consequence: missense variant.
Genome position (GRCh38, 1-based): chr14:75,049,555, A>G on the plus strand (T>C on the coding strand, the complement: MLH3 is on the minus strand). VCF-style: chr14-75049555-A-G. GRCh37 (hg19) VCF-style: chr14-75516258-A-G.
Other names: c.101T>C, p.Ile34Thr (NM_014381.3); short protein forms I34T.
Identifiers: ClinVar variation 4108587 (VCV004108587.1).